The following is an entry in ClinVar:

NM_004145.4(MYO9B):c.4217C>T (p.Pro1406Leu)

Gene: MYO9B (myosin IXB; plus strand). Cytogenetic location: 19p13.11.
Variant type: single nucleotide variant.
Coding change: c.4217C>T on transcript NM_004145.4 (MANE Select); coding-DNA position 4217, C replaced by T.
Protein change: p.Pro1406Leu; replaces proline 1406 with leucine.
Molecular consequence: missense variant.
Genome position (GRCh38, 1-based): chr19:17,198,287, C>T. VCF-style: chr19-17198287-C-T. GRCh37 (hg19) VCF-style: chr19-17309096-C-T.
Other names: c.4217C>T, p.Pro1406Leu (NM_001130065.2); short protein forms P1406L.
Identifiers: ClinVar variation 3042996 (VCV003042996.2), dbSNP rs193007687, ClinGen allele CA9288093.

ClinVar aggregate classification (germline): Likely benign (0 of 4 stars; one submission).

Conditions:
MYO9B-related disorder. Also called: MYO9B-related condition.

Allele frequency attached by ClinVar (database versions not stated): gnomAD exomes 0.00013; ExAC 0.00041; gnomAD 0.00107; TOPMed 0.00127; ESP Exome Variant Server 0.00148; 1000 Genomes Project 0.00200; 1000 Genomes Project 30x 0.00203.
gnomAD v4.1: 360 of 1,613,846 alleles (0.022%); highest among the groups gnomAD compares: African/African-American, 0.33%; 1 homozygote.

Submission:

PreventionGenetics, part of Exact Sciences
Classification: Likely benign for MYO9B-related condition. Last evaluated: 2023-05-17. Review status: no assertion criteria provided. Collection method: clinical testing. Allele origin: germline.
Comment: This variant is classified as likely benign based on ACMG/AMP sequence variant interpretation guidelines (Richards et al. 2015 PMID: 25741868, with internal and published modifications).